The following is an entry in ClinVar:

ClinVar aggregate classification (germline): Uncertain significance (1 of 4 stars; one submission).

gnomAD v4.1: 3 of 1,612,976 alleles (0.00019%); highest among the groups gnomAD compares: South Asian, 0.0022%; no homozygotes.

Submission:

Labcorp Genetics (formerly Invitae), Labcorp
Classification: Uncertain significance. Last evaluated: 2024-12-24. Review status: criteria provided, single submitter. Criteria: Invitae Variant Classification Sherloc (09022015). Collection method: clinical testing. Allele origin: germline.
Comment: This sequence change replaces proline, which is neutral and non-polar, with arginine, which is basic and polar, at codon 30 of the SLCO5A1 protein (p.Pro30Arg). This variant is present in population databases (rs765120222, gnomAD 0.003%). This variant has not been reported in the literature in individuals affected with SLCO5A1-related conditions. An algorithm developed to predict the effect of missense changes on protein structure and function (PolyPhen-2) suggests that this variant is likely to be tolerated. In summary, the available evidence is currently insufficient to determine the role of this variant in disease. Therefore, it has been classified as a Variant of Uncertain Significance.

NM_030958.3(SLCO5A1):c.89C>G (p.Pro30Arg)

Gene: SLCO5A1 (solute carrier organic anion transporter family member 5A1; minus strand). Cytogenetic location: 8q13.3.
Variant type: single nucleotide variant.
Coding change: c.89C>G on transcript NM_030958.3 (MANE Select); coding-DNA position 89, C replaced by G.
Protein change: p.Pro30Arg; replaces proline 30 with arginine.
Molecular consequence: missense variant.
Genome position (GRCh38, 1-based): chr8:69,832,585, G>C on the plus strand (C>G on the coding strand, the complement: SLCO5A1 is on the minus strand). VCF-style: chr8-69832585-G-C. GRCh37 (hg19) VCF-style: chr8-70744820-G-C.
Other names: c.89C>G, p.Pro30Arg (NM_001146008.2, NM_001146009.1); short protein forms P30R.
Identifiers: ClinVar variation 3617010 (VCV003617010.2).